The following is an entry in ClinVar:

ClinVar aggregate classification (germline): Uncertain significance (1 of 4 stars; one submission).

Conditions:
Inborn genetic diseases. Identifiers: MedGen C0950123, MeSH D030342.

gnomAD v4.1: 2 of 1,614,050 alleles (0.00012%); highest among the groups gnomAD compares: Non-Finnish European, 0.00017%; no homozygotes.

Submission:

Ambry Genetics
Classification: Uncertain significance for Inborn genetic diseases. Last evaluated: 2024-10-27. Review status: criteria provided, single submitter. Criteria: Ambry Variant Classification Scheme 2023. Collection method: clinical testing. Allele origin: germline.
Comment: The p.G260E variant (also known as c.779G>A), located in coding exon 4 of the ATR gene, results from a G to A substitution at nucleotide position 779. The glycine at codon 260 is replaced by glutamic acid, an amino acid with similar properties. This amino acid position is conserved. In addition, this alteration is predicted to be deleterious by in silico analysis. Based on the available evidence, the clinical significance of this variant remains unclear.

NM_001184.4(ATR):c.779G>A (p.Gly260Glu)

Gene: ATR (ATR serine/threonine kinase; minus strand). Cytogenetic location: 3q23.
Variant type: single nucleotide variant.
Coding change: c.779G>A on transcript NM_001184.4 (MANE Select); coding-DNA position 779, G replaced by A.
Protein change: p.Gly260Glu; replaces glycine 260 with glutamic acid.
Molecular consequence: missense variant.
Genome position (GRCh38, 1-based): chr3:142,562,623, C>T on the plus strand (G>A on the coding strand, the complement: ATR is on the minus strand). VCF-style: chr3-142562623-C-T. GRCh37 (hg19) VCF-style: chr3-142281465-C-T.
Other names: c.779G>A, p.Gly260Glu (NM_001354579.2); short protein forms G260E.
Identifiers: ClinVar variation 3463230 (VCV003463230.1).
Genomic context (GRCh38, chr3:142,562,623, plus strand): 5'-AGGTGTTTTAATAATTCCAAAAATGAGCTGAAAAAAGTGCTAGCTGGTTGTGCTGGTAGT[C>T]CTCCAAGCTGAAAAAGTTCTGTTAAAAAGCTAATTGCTAGGGATTTAATTTTTGGACTAC-3'
Protein context (NP_001175.2, residues 250-270): SFLTELFQLG[Gly260Glu]LPAQPASTFF